The following is an entry in ClinVar:

NM_005654.6(NR2F1):c.210G>C (p.Lys70Asn)

Genes: NR2F1 (nuclear receptor subfamily 2 group F member 1; plus strand), NR2F1-AS1 (NR2F1 regulatory antisense RNA 1; minus strand). Cytogenetic location: 5q15.
Variant type: single nucleotide variant.
Coding change: c.210G>C on transcript NM_005654.6 (MANE Select); coding-DNA position 210, G replaced by C.
Protein change: p.Lys70Asn; replaces lysine 70 with asparagine.
Molecular consequence: missense variant.
Genome position (GRCh38, 1-based): chr5:93,585,233, G>C. VCF-style: chr5-93585233-G-C. GRCh37 (hg19) VCF-style: chr5-92920939-G-C.
Other names: short protein forms K70N.
Identifiers: ClinVar variation 1706412 (VCV001706412.2), dbSNP rs2480801869, ClinGen allele CA360525758.

ClinVar aggregate classification (germline): Uncertain significance (1 of 4 stars; one submission).

Submission:

GeneDx
Classification: Uncertain significance. Last evaluated: 2022-03-14. Review status: criteria provided, single submitter. Criteria: GeneDx Variant Classification Process June 2021. Collection method: clinical testing. Allele origin: germline. Affected: yes.
Comment: Not observed at significant frequency in large population cohorts (gnomAD); In silico analysis supports that this missense variant does not alter protein structure/function; Has not been previously published as pathogenic or benign to our knowledge